The following is an entry in ClinVar:

NM_000204.5(CFI):c.804G>A (p.Ser268=)

Gene: CFI (complement factor I; minus strand). Cytogenetic location: 4q25.
Variant type: single nucleotide variant.
Coding change: c.804G>A on transcript NM_000204.5 (MANE Select); coding-DNA position 804, G replaced by A.
Protein change: p.Ser268=; no amino-acid change (serine 268 retained).
Molecular consequence: synonymous variant. On other transcripts: non-coding transcript variant (3).
Genome position (GRCh38, 1-based): chr4:109,760,349, C>T on the plus strand (G>A on the coding strand, the complement: CFI is on the minus strand). VCF-style: chr4-109760349-C-T. GRCh37 (hg19) VCF-style: chr4-110681505-C-T.
Other names: p.Ser268=; c.804G>A, p.Ser268= (NM_001318057.2, NM_001331035.2, NM_001375278.1 and 5 more transcripts); c.195G>A, p.Ser65= (NM_001375284.1).
Identifiers: ClinVar variation 347167 (VCV000347167.26), dbSNP rs2298749, ClinGen allele CA3042160.

ClinVar aggregate classification (germline): Benign/Likely benign. Review status: criteria provided, multiple submitters, no conflicts (2 of 4 stars). 11 submissions from 11 submitters: Benign (7); Likely benign (1). 3 of the submissions do not count toward it. Last evaluated 2026-02-04.

Conditions:
CFI-related disorder. Also called: CFI-related disorders; CFI-related condition. Identifiers: MedGen CN239325.
Atypical hemolytic-uremic syndrome with I factor anomaly. Also called: HEMOLYTIC UREMIC SYNDROME, ATYPICAL, SUSCEPTIBILITY TO, 3; AHUS, SUSCEPTIBILITY TO, 3. Identifiers: Orphanet 2134, MedGen C2752039, MONDO:0013041, OMIM 612923.
Factor I deficiency (CFID). Also called: Complement factor I deficiency. Identifiers: Orphanet 200418, MedGen C3463916, MONDO:0012594, OMIM 610984.

Allele frequency attached by ClinVar (database versions not stated): gnomAD exomes 0.26230 and 0.29272; ExAC 0.28372; ESP Exome Variant Server 0.29417; gnomAD 0.30420 and 0.30706; 1000 Genomes Project 0.31210; TOPMed 0.31497; 1000 Genomes Project 30x 0.31730.
gnomAD v4.1: 430,920 of 1,612,514 alleles (27%); highest among the groups gnomAD compares: Admixed American, 42%; 59,803 homozygotes.

Submissions (11):

Labcorp Genetics (formerly Invitae), Labcorp
Classification: Benign. Last evaluated: 2026-02-04. Review status: criteria provided, single submitter. Criteria: Invitae Variant Classification Sherloc (09022015). Collection method: clinical testing. Allele origin: germline.

Genomenon, Inc
Classification: Benign for CFI-related disorder. Last evaluated: 2025-09-26. Review status: criteria provided, single submitter. Criteria: Genomenon Sequence Variant Interpretation Standards - Updated. Collection method: curation. Allele origin: germline. Affected: no.
Comment: CFI p.Ser268= (c.804G>A) is a missense variant that changes the amino acid at residue 268 from Serine to Serine. This variant is present at high allele frequency in population databases. In conclusion, we classify CFI p.Ser268= (c.804G>A) as a benign variant.

Blueprint Genetics
Classification: Likely benign. Last evaluated: 2024-11-26. Review status: criteria provided, single submitter. Criteria: ACMG Guidelines, 2015. Collection method: clinical testing. Allele origin: germline.

Mayo Clinic Laboratories, Mayo Clinic
Classification: Benign. Last evaluated: 2022-03-10. Review status: criteria provided, single submitter. Criteria: ACMG Guidelines, 2015. Collection method: clinical testing. Allele origin: germline. Observed: 1,662 variant alleles.

Genome-Nilou Lab
Classification: Benign for Factor I deficiency. Last evaluated: 2021-07-22. Review status: criteria provided, single submitter. Criteria: ACMG Guidelines, 2015. Collection method: clinical testing. Allele origin: germline. Affected: no.

Women's Health and Genetics/Laboratory Corporation of America, LabCorp
Classification: Benign. Last evaluated: 2021-07-08. Review status: criteria provided, single submitter. Criteria: LabCorp Variant Classification Summary - May 2015. Collection method: clinical testing. Allele origin: germline.

Illumina Laboratory Services, Illumina
Classification: Benign for Atypical hemolytic-uremic syndrome with I factor anomaly. Last evaluated: 2018-01-13. Review status: criteria provided, single submitter. Criteria: ICSL Variant Classification Criteria 13 December 2019. Collection method: clinical testing. Allele origin: germline.
Comment: This variant was observed in the ICSL laboratory as part of a predisposition screen in an ostensibly healthy population. It had not been previously curated by ICSL or reported in the Human Gene Mutation Database (HGMD: prior to June 1st, 2018), and was therefore a candidate for classification through an automated scoring system. Utilizing variant allele frequency, disease prevalence and penetrance estimates, and inheritance mode, an automated score was calculated to assess if this variant is too frequent to cause the disease. Based on the score and internal cut-off values, a variant classified as benign is not then subjected to further curation. The score for this variant resulted in a classification of benign for this disease.

Breakthrough Genomics
Classification: Benign. Review status: criteria provided, single submitter. Criteria: ACMG Guidelines, 2015. Collection method: not provided. Allele origin: germline. Inheritance: Autosomal recessive inheritance. Affected: yes.

Diagnostic Laboratory, Department of Genetics, University Medical Center Groningen
Classification: Benign. Review status: no assertion criteria provided. Collection method: clinical testing. Allele origin: germline. Affected: yes. Study: VKGL Data-share Consensus. Not counted in ClinVar's aggregate classification.

Genome Diagnostics Laboratory, University Medical Center Utrecht
Classification: Benign. Review status: no assertion criteria provided. Collection method: clinical testing. Allele origin: germline. Affected: yes. Study: VKGL Data-share Consensus. Not counted in ClinVar's aggregate classification.

Joint Genome Diagnostic Labs from Nijmegen and Maastricht, Radboudumc and MUMC+
Classification: Benign. Review status: no assertion criteria provided. Collection method: clinical testing. Allele origin: germline. Affected: yes. Study: VKGL Data-share Consensus. Not counted in ClinVar's aggregate classification.